The following is an entry in ClinVar:

ClinVar aggregate classification (germline): Pathogenic (1 of 4 stars; one submission).

Conditions:
Immunodeficiency, common variable, 10. Also called: DEFICIT IN ANTERIOR PITUITARY FUNCTION AND VARIABLE IMMUNODEFICIENCY; IMMUNODEFICIENCY, COMMON VARIABLE, WITH CENTRAL ADRENAL INSUFFICIENCY. Identifiers: MedGen C3809991, MONDO:0014260, OMIM 615577.

Submission:

Labcorp Genetics (formerly Invitae), Labcorp
Classification: Pathogenic for Immunodeficiency, common variable, 10. Last evaluated: 2020-11-05. Review status: criteria provided, single submitter. Criteria: Invitae Variant Classification Sherloc (09022015). Collection method: clinical testing. Allele origin: germline.
Comment: This variant disrupts the region of the NFKB2 protein between p.Arg853 and p.Gln871. This region has been determined to be associated with autosomal dominant NFKB2-related conditions (PMID: 25605273, 25524009, 24702956, 31417880, 30941118), which suggests that variants that occur in this region are likely to be clinically significant. Algorithms developed to predict the effect of sequence changes on RNA splicing suggest that this variant may create or strengthen a splice site, but this prediction has not been confirmed by published transcriptional studies. For these reasons, this variant has been classified as Pathogenic. This variant has not been reported in the literature in individuals with NFKB2-related conditions. This variant is not present in population databases (ExAC no frequency). This sequence change creates a premature translational stop signal (p.Gly869Valfs*18) in the NFKB2 gene. While this is not anticipated to result in nonsense mediated decay, it is expected to disrupt the last 32 amino acid(s) of the NFKB2 protein.

Literature cited by the submitters: PubMed 25605273; PubMed 25524009; PubMed 24702956; PubMed 31417880; PubMed 30941118.

NM_001322934.2(NFKB2):c.2602_2605dup (p.Gly869fs)

Gene: NFKB2 (nuclear factor kappa B subunit 2; plus strand). Cytogenetic location: 10q24.32.
Variant type: Duplication.
Coding change: c.2602_2605dup on transcript NM_001322934.2 (MANE Select); coding-DNA positions 2602 to 2605, 4 bases duplicated (TACG; older notation c.2602_2605dupTACG).
Protein change: p.Gly869fs; shifts the reading frame from glycine 869.
Molecular consequence: frameshift variant.
Genome position (GRCh38, 1-based): chr10:102,402,275-102,402,278, TACG duplicated; duplicating any 4 consecutive bases within chr10:102,402,273-102,402,278 gives the same sequence; the c. name uses the placement nearest the transcript's 3' end. VCF-style (leftmost placement, unchanged base first): chr10-102402272-G-GCGTA. GRCh37 (hg19) VCF-style: chr10-104162029-G-GCGTA.
Other names: c.2602_2605dup, p.Gly869fs (NM_001077494.3); c.2599_2602dup, p.Gly868fs (NM_001261403.3, NM_001288724.1, NM_002502.6); c.2476_2479dup, p.Gly827fs (NM_001322935.1); short protein forms G869fs, G827fs, G868fs.
Identifiers: ClinVar variation 1409384 (VCV001409384.8), dbSNP rs2135443636, ClinGen allele CA2573145402.